The following is an entry in ClinVar:

ClinVar aggregate classification (germline): Pathogenic. Review status: criteria provided, multiple submitters, no conflicts (2 of 4 stars). 2 submissions from 2 submitters: Pathogenic (2). Last evaluated 2022-05-27.

Conditions:
RYR1-related disorder. Also called: RYR1-related condition; RYR1-related disorders. Identifiers: MedGen CN239331.

gnomAD v4.1: 1 of 1,613,266 alleles (0.000062%); highest among the groups gnomAD compares: Non-Finnish European, 0.000085%; no homozygotes.

Submissions (2):

Labcorp Genetics (formerly Invitae), Labcorp
Classification: Pathogenic for RYR1-related disorder. Last evaluated: 2022-05-27. Review status: criteria provided, single submitter. Criteria: Invitae Variant Classification Sherloc (09022015). Collection method: clinical testing. Allele origin: germline.
Comment: For these reasons, this variant has been classified as Pathogenic. ClinVar contains an entry for this variant (Variation ID: 1069514). This variant has not been reported in the literature in individuals affected with RYR1-related conditions. This variant is not present in population databases (gnomAD no frequency). This sequence change creates a premature translational stop signal (p.Glu2925*) in the RYR1 gene. It is expected to result in an absent or disrupted protein product. Loss-of-function variants in RYR1 are known to be pathogenic (PMID: 20583297, 20839240, 23919265, 28818389).

Revvity Omics, Revvity
Classification: Pathogenic. Last evaluated: 2020-02-24. Review status: criteria provided, single submitter. Criteria: ACMG Guidelines, 2015. Collection method: clinical testing. Allele origin: germline.

Literature cited by the submitters: PubMed 20583297 (cited by Labcorp Genetics (formerly Invitae), Labcorp); PubMed 20839240 (cited by Labcorp Genetics (formerly Invitae), Labcorp); PubMed 23919265 (cited by Labcorp Genetics (formerly Invitae), Labcorp); PubMed 28818389 (cited by Labcorp Genetics (formerly Invitae), Labcorp).

NM_000540.3(RYR1):c.8773G>T (p.Glu2925Ter)

Gene: RYR1 (ryanodine receptor 1; plus strand). Cytogenetic location: 19q13.2.
Variant type: single nucleotide variant.
Coding change: c.8773G>T on transcript NM_000540.3 (MANE Select); coding-DNA position 8773, G replaced by T.
Protein change: p.Glu2925Ter; replaces glutamic acid 2925 with a stop codon.
Molecular consequence: nonsense.
Genome position (GRCh38, 1-based): chr19:38,506,909, G>T. VCF-style: chr19-38506909-G-T. GRCh37 (hg19) VCF-style: chr19-38997549-G-T.
Other names: c.8773G>T, p.Glu2925Ter (NM_001042723.2); short protein forms E2925*.
Identifiers: ClinVar variation 1069514 (VCV001069514.10), dbSNP rs2145638522, ClinGen allele CA405681231.